The following is an entry in ClinVar:

NM_000455.5(STK11):c.1017G>T (p.Pro339=)

Genes: STK11 (serine/threonine kinase 11; plus strand), LOC130062899 (ATAC-STARR-seq lymphoblastoid active region 13597; plus strand). Cytogenetic location: 19p13.3.
Variant type: single nucleotide variant.
Coding change: c.1017G>T on transcript NM_000455.5 (MANE Select); coding-DNA position 1017, G replaced by T.
Protein change: p.Pro339=; no amino-acid change (proline 339 retained).
Molecular consequence: synonymous variant. On other transcripts: non-coding transcript variant (1).
Genome position (GRCh38, 1-based): chr19:1,223,081, G>T. VCF-style: chr19-1223081-G-T. GRCh37 (hg19) VCF-style: chr19-1223080-G-T.
Other names: c.1017G>T, p.Pro339= (NM_001407255.1).
Identifiers: ClinVar variation 3903452 (VCV003903452.1).

ClinVar aggregate classification (germline): Benign (1 of 4 stars; one submission).

Conditions:
Peutz-Jeghers syndrome (PJS). Also called: POLYPOSIS, HAMARTOMATOUS INTESTINAL; POLYPS-AND-SPOTS SYNDROME; Peutz-Jeghers polyposis; Periorificial lentiginosis syndrome. Identifiers: Orphanet 2869, MedGen C0031269, MeSH D010580, MONDO:0008280, OMIM 175200.

Submission:

Myriad Genetics, Inc.
Classification: Benign for Peutz-Jeghers syndrome. Last evaluated: 2025-03-28. Review status: criteria provided, single submitter. Criteria: Myriad Autosomal Dominant, Autosomal Recessive and X-Linked Classification Criteria (2023). Collection method: clinical testing. Allele origin: unknown.
Comment: This variant is considered benign. This variant is a silent/synonymous amino acid change and it is not expected to impact splicing.